The following is an entry in ClinVar:

NM_001039958.2(MESP2):c.183C>T (p.Ser61=)

Gene: MESP2 (mesoderm posterior bHLH transcription factor 2; plus strand). Cytogenetic location: 15q26.1.
Variant type: single nucleotide variant.
Coding change: c.183C>T on transcript NM_001039958.2 (MANE Select); coding-DNA position 183, C replaced by T.
Protein change: p.Ser61=; no amino-acid change (serine 61 retained).
Molecular consequence: synonymous variant.
Genome position (GRCh38, 1-based): chr15:89,776,540, C>T. VCF-style: chr15-89776540-C-T. GRCh37 (hg19) VCF-style: chr15-90319771-C-T.
Other names: c.183C>T (NM_001039958.1).
Identifiers: ClinVar variation 990309 (VCV000990309.13), dbSNP rs753168674, ClinGen allele CA7730361.
Genomic context (GRCh38, chr15:89,776,540, plus strand): 5'-TTCGTGCCCCTGCGACGGCGCCCGCGGACTCCCGCAGCCACAGCCTCCGAGCTGCAGCTC[C>T]CGAGCCGCAGAGGCAGCCGCGACGACGCCCAGACGAGCGCGCACCGGACCAGCGGGCGGA-3'
Protein context (NP_001035047.1, residues 51-71): LPQPQPPSCS[Ser61=]RAAEAAATTP

ClinVar aggregate classification (germline): Likely benign. Review status: criteria provided, multiple submitters, no conflicts (2 of 4 stars). 4 submissions from 4 submitters: Likely benign (2). 2 of the submissions do not count toward it. Last evaluated 2026-01-28.

Conditions:
Spondylocostal dysostosis 2, autosomal recessive (SCDO2). Also called: MESP2-Related Spondylocostal Dysostosis, Autosomal Recessive; Spondylocostal dysostosis type 2. Identifiers: Orphanet 2311, MedGen C1837549, MONDO:0012097, OMIM 608681.
MESP2-related disorder. Also called: MESP2-related condition.

Allele frequency attached by ClinVar (database versions not stated): ExAC below 0.00001; gnomAD 0.00015 and 0.00016; 1000 Genomes Project 30x 0.00016; TOPMed 0.00022.

Submissions (4):

Labcorp Genetics (formerly Invitae), Labcorp
Classification: Likely benign. Last evaluated: 2026-01-28. Review status: criteria provided, single submitter. Criteria: Invitae Variant Classification Sherloc (09022015). Collection method: clinical testing. Allele origin: germline.

Breakthrough Genomics
Classification: Likely benign. Review status: criteria provided, single submitter. Criteria: ACMG Guidelines, 2015. Collection method: not provided. Allele origin: germline. Inheritance: Autosomal recessive inheritance. Affected: yes.

Natera, Inc.
Classification: Likely benign for Spondylocostal dysostosis type 2. Last evaluated: 2020-09-29. Review status: no assertion criteria provided. Collection method: clinical testing. Allele origin: germline. Not counted in ClinVar's aggregate classification.

PreventionGenetics, part of Exact Sciences
Classification: Likely benign for MESP2-related condition. Last evaluated: 2019-07-01. Review status: no assertion criteria provided. Collection method: clinical testing. Allele origin: germline. Not counted in ClinVar's aggregate classification.
Comment: This variant is classified as likely benign based on ACMG/AMP sequence variant interpretation guidelines (Richards et al. 2015 PMID: 25741868, with internal and published modifications).